The following is an entry in ClinVar:

NM_000112.4(SLC26A2):c.922del (p.Ser308fs)

Gene: SLC26A2 (solute carrier family 26 member 2; plus strand). Cytogenetic location: 5q32.
Variant type: Deletion.
Coding change: c.922del on transcript NM_000112.4 (MANE Select); coding-DNA position 922, one base deleted (A; older notation c.922delA).
Protein change: p.Ser308fs; shifts the reading frame from serine 308.
Molecular consequence: frameshift variant.
Genome position (GRCh38, 1-based): chr5:149,980,515, A deleted. VCF-style (leftmost placement, unchanged base first): chr5-149980514-CA-C. GRCh37 (hg19) VCF-style: chr5-149360077-CA-C.
Other names: c.922delA (NM_000112.3); short protein forms S308fs.
Identifiers: ClinVar variation 371735 (VCV000371735.10), dbSNP rs1057517495, ClinGen allele CA16040993.
Genomic context (GRCh38, chr5:149,980,514, plus strand): 5'-CACTACCTGGATACATGTCTTCAGAAACATCCATAAGACCAATCTCTGTGATCTTATCAC[CA>C]GCCTTTTGTGCCTTTTGGTTCTTTTGCCAACCAAAGAACTCAATGAACACTTCAAATCCA-3'

ClinVar aggregate classification (germline): Pathogenic. Review status: criteria provided, multiple submitters, no conflicts (2 of 4 stars). 6 submissions from 3 submitters: Pathogenic (2). 4 of the submissions do not count toward it. Last evaluated 2023-03-21.

Conditions:
Multiple epiphyseal dysplasia type 4 (EDM4). Also called: MULTIPLE EPIPHYSEAL DYSPLASIA WITH BILAYERED PATELLAE; MULTIPLE EPIPHYSEAL DYSPLASIA WITH CLUBFOOT; MULTIPLE EPIPHYSEAL DYSPLASIA, AUTOSOMAL RECESSIVE; Multiple Epiphyseal Dysplasia, Recessive; SLC26A2-Related Multiple Epiphyseal Dysplasia. Identifiers: Orphanet 93307, MedGen C1847593, MONDO:0009189, OMIM 226900.
Diastrophic dysplasia (DTD). Also called: Diastrophic dwarfism. Identifiers: Orphanet 628, MedGen C0220726, MONDO:0009107, OMIM 222600.
Achondrogenesis, type IB (ACG1B). Also called: Achondrogenesis Type 1B. Identifiers: Orphanet 932, Orphanet 93298, MedGen C0265274, MONDO:0010966, OMIM 600972.
Atelosteogenesis type II (AO2). Also called: NEONATAL OSSEOUS DYSPLASIA I; Neonatal osseous dysplasia 1; SLC26A2-Related Atelosteogenesis. Identifiers: Orphanet 56304, MedGen C1850554, MONDO:0009727, OMIM 256050.

Submissions (6):

Labcorp Genetics (formerly Invitae), Labcorp
Classification: Pathogenic for Atelosteogenesis type II; Multiple epiphyseal dysplasia type 4; Achondrogenesis, type IB; Diastrophic dysplasia. Last evaluated: 2023-03-21. Review status: criteria provided, single submitter. Criteria: Invitae Variant Classification Sherloc (09022015). Collection method: clinical testing. Allele origin: germline.
Comment: This sequence change creates a premature translational stop signal (p.Ser308Alafs*34) in the SLC26A2 gene. While this is not anticipated to result in nonsense mediated decay, it is expected to disrupt the last 432 amino acid(s) of the SLC26A2 protein. This variant is not present in population databases (gnomAD no frequency). This variant has not been reported in the literature in individuals affected with SLC26A2-related conditions. ClinVar contains an entry for this variant (Variation ID: 371735). This variant disrupts a region of the SLC26A2 protein in which other variant(s) (p.Ala715Val) have been determined to be pathogenic (PMID: 11448940, 15294877, 21077204). This suggests that this is a clinically significant region of the protein, and that variants that disrupt it are likely to be disease-causing. For these reasons, this variant has been classified as Pathogenic.

Revvity Omics, Revvity
Classification: Pathogenic. Last evaluated: 2020-01-27. Review status: criteria provided, single submitter. Criteria: ACMG Guidelines, 2015. Collection method: clinical testing. Allele origin: germline.

Counsyl
Classification: Likely pathogenic for Diastrophic dysplasia. Last evaluated: 2016-05-11. Review status: no assertion criteria provided. Collection method: clinical testing. Allele origin: unknown. Not counted in ClinVar's aggregate classification.

Counsyl
Classification: Likely pathogenic for Multiple epiphyseal dysplasia type 4. Last evaluated: 2016-05-11. Review status: no assertion criteria provided. Collection method: clinical testing. Allele origin: unknown. Not counted in ClinVar's aggregate classification.

Counsyl
Classification: Likely pathogenic for Atelosteogenesis type II. Last evaluated: 2016-05-11. Review status: no assertion criteria provided. Collection method: clinical testing. Allele origin: unknown. Not counted in ClinVar's aggregate classification.

Counsyl
Classification: Likely pathogenic for Achondrogenesis, type IB. Last evaluated: 2016-05-11. Review status: no assertion criteria provided. Collection method: clinical testing. Allele origin: unknown. Not counted in ClinVar's aggregate classification.

Literature cited by the submitters: PubMed 11448940 (cited by Labcorp Genetics (formerly Invitae), Labcorp); PubMed 15294877 (cited by Labcorp Genetics (formerly Invitae), Labcorp); PubMed 21077204 (cited by Labcorp Genetics (formerly Invitae), Labcorp).